The following is an entry in ClinVar:

NM_001013838.3(CARMIL2):c.1483C>G (p.Leu495Val)

Gene: CARMIL2 (capping protein regulator and myosin 1 linker 2; plus strand). Cytogenetic location: 16q22.1.
Variant type: single nucleotide variant.
Coding change: c.1483C>G on transcript NM_001013838.3 (MANE Select); coding-DNA position 1483, C replaced by G.
Protein change: p.Leu495Val; replaces leucine 495 with valine.
Molecular consequence: missense variant.
Genome position (GRCh38, 1-based): chr16:67,648,728, C>G. VCF-style: chr16-67648728-C-G. GRCh37 (hg19) VCF-style: chr16-67682631-C-G.
Other names: c.1375C>G, p.Leu459Val (NM_001317026.3); short protein forms L459V, L495V.
Identifiers: ClinVar variation 2128426 (VCV002128426.4), dbSNP rs1030669153, ClinGen allele CA283204411.
Genomic context (GRCh38, chr16:67,648,728, plus strand): 5'-GTAACGTCCTCTCCCAGAGCCCTTTTGGATGGCCTCGCGCTCAACACGCACCTCCGCGAC[C>G]TGCACCTGGACCTCAGCGCTTGCGAGGTGAGCGCCGGCCCCCAGAAGAGACCACACATTG-3'
Protein context (NP_001013860.1, residues 485-505): GLALNTHLRD[Leu495Val]HLDLSACELR

ClinVar aggregate classification (germline): Uncertain significance (1 of 4 stars; one submission).

Allele frequency attached by ClinVar (database versions not stated): gnomAD exomes below 0.00001.

Submission:

Labcorp Genetics (formerly Invitae), Labcorp
Classification: Uncertain significance. Last evaluated: 2022-04-20. Review status: criteria provided, single submitter. Criteria: Invitae Variant Classification Sherloc (09022015). Collection method: clinical testing. Allele origin: germline.
Comment: In summary, the available evidence is currently insufficient to determine the role of this variant in disease. Therefore, it has been classified as a Variant of Uncertain Significance. Algorithms developed to predict the effect of missense changes on protein structure and function are either unavailable or do not agree on the potential impact of this missense change (SIFT: "Deleterious"; PolyPhen-2: "Benign"; Align-GVGD: "Class C0"). This variant has not been reported in the literature in individuals affected with CARMIL2-related conditions. This variant is not present in population databases (gnomAD no frequency). This sequence change replaces leucine, which is neutral and non-polar, with valine, which is neutral and non-polar, at codon 495 of the CARMIL2 protein (p.Leu495Val).